The following is an entry in ClinVar:

NM_006363.6(SEC23B):c.*657A>G

Gene: SEC23B (SEC23 homolog B, COPII component; plus strand). Cytogenetic location: 20p11.23.
Variant type: single nucleotide variant.
Coding change: c.*657A>G on transcript NM_006363.6 (MANE Select); 657 bases downstream of the stop codon, A replaced by G.
Molecular consequence: 3 prime UTR variant.
Genome position (GRCh38, 1-based): chr20:18,561,397, A>G. VCF-style: chr20-18561397-A-G. GRCh37 (hg19) VCF-style: chr20-18542041-A-G.
Other names: c.*657A>G (NM_001172745.3, NM_001172746.3, NM_032985.6 and 1 more transcripts).
Identifiers: ClinVar variation 337805 (VCV000337805.5), dbSNP rs114937628, ClinGen allele CA10652388.

ClinVar aggregate classification (germline): Benign (1 of 4 stars; one submission).

Conditions:
Congenital dyserythropoietic anemia, type II (CDAN2). Also called: DYSERYTHROPOIETIC ANEMIA, HEMPAS TYPE. Identifiers: Orphanet 98873, MedGen C1306589, MONDO:0009134, OMIM 224100.

Allele frequency attached by ClinVar (database versions not stated): gnomAD 0.00723 and 0.00814; TOPMed 0.00757; 1000 Genomes Project 0.01857; 1000 Genomes Project 30x 0.01858.

Submission:

Illumina Laboratory Services, Illumina
Classification: Benign for Congenital dyserythropoietic anemia, type II. Last evaluated: 2018-01-13. Review status: criteria provided, single submitter. Criteria: ICSL Variant Classification Criteria 13 December 2019. Collection method: clinical testing. Allele origin: germline.
Comment: This variant was observed in the ICSL laboratory as part of a predisposition screen in an ostensibly healthy population. It had not been previously curated by ICSL or reported in the Human Gene Mutation Database (HGMD: prior to June 1st, 2018), and was therefore a candidate for classification through an automated scoring system. Utilizing variant allele frequency, disease prevalence and penetrance estimates, and inheritance mode, an automated score was calculated to assess if this variant is too frequent to cause the disease. Based on the score and internal cut-off values, a variant classified as benign is not then subjected to further curation. The score for this variant resulted in a classification of benign for this disease.